The following is an entry in ClinVar:

NM_020163.3(SEMA3G):c.361C>A (p.Arg121=)

Gene: SEMA3G (semaphorin 3G; minus strand). Cytogenetic location: 3p21.1.
Variant type: single nucleotide variant.
Coding change: c.361C>A on transcript NM_020163.3 (MANE Select); coding-DNA position 361, C replaced by A.
Protein change: p.Arg121=; no amino-acid change (arginine 121 retained).
Molecular consequence: synonymous variant.
Genome position (GRCh38, 1-based): chr3:52,442,283, G>T on the plus strand (C>A on the coding strand, the complement: SEMA3G is on the minus strand). VCF-style: chr3-52442283-G-T. GRCh37 (hg19) VCF-style: chr3-52476299-G-T.
Identifiers: ClinVar variation 3356690 (VCV003356690.1).

ClinVar aggregate classification (germline): Likely benign (0 of 4 stars; one submission).

Conditions:
SEMA3G-related disorder. Also called: SEMA3G-related condition.

gnomAD v4.1: 11 of 1,613,710 alleles (0.00068%); highest among the groups gnomAD compares: African/African-American, 0.0013%; no homozygotes.

Submission:

PreventionGenetics, part of Exact Sciences
Classification: Likely benign for SEMA3G-related condition. Last evaluated: 2024-08-30. Review status: no assertion criteria provided. Collection method: clinical testing. Allele origin: germline.
Comment: This variant is classified as likely benign based on ACMG/AMP sequence variant interpretation guidelines (Richards et al. 2015 PMID: 25741868, with internal and published modifications).